The following is an entry in ClinVar:

NM_004168.4(SDHA):c.1319A>C (p.Glu440Ala)

Gene: SDHA (succinate dehydrogenase complex flavoprotein subunit A; plus strand). Cytogenetic location: 5p15.33.
Variant type: single nucleotide variant.
Coding change: c.1319A>C on transcript NM_004168.4 (MANE Select); coding-DNA position 1319, A replaced by C.
Protein change: p.Glu440Ala; replaces glutamic acid 440 with alanine.
Molecular consequence: missense variant.
Genome position (GRCh38, 1-based): chr5:236,486, A>C. VCF-style: chr5-236486-A-C. GRCh37 (hg19) VCF-style: chr5-236601-A-C.
Other names: c.1175A>C, p.Glu392Ala (NM_001294332.2); c.1319A>C, p.Glu440Ala (NM_001330758.2); short protein forms E392A, E440A.
Identifiers: ClinVar variation 1713286 (VCV001713286.6), dbSNP rs1735789704, ClinGen allele CA359013918.

ClinVar aggregate classification (germline): Uncertain significance (1 of 4 stars; one submission).

Conditions:
Mitochondrial complex II deficiency, nuclear type 1. Also called: SUCCINATE CoQ REDUCTASE DEFICIENCY. Identifiers: Orphanet 3208, MedGen C5700310, MONDO:0100294, OMIM 252011.
Pheochromocytoma/paraganglioma syndrome 5. Also called: Paragangliomas 5; SDHA-Related Hereditary Paraganglioma-Pheochromocytoma Syndrome. Identifiers: Orphanet 29072, MedGen C3279992, MONDO:0013602, OMIM 614165.

Submission:

Labcorp Genetics (formerly Invitae), Labcorp
Classification: Uncertain significance for Pheochromocytoma/paraganglioma syndrome 5; Mitochondrial complex II deficiency, nuclear type 1. Last evaluated: 2023-08-17. Review status: criteria provided, single submitter. Criteria: Invitae Variant Classification Sherloc (09022015). Collection method: clinical testing. Allele origin: germline.
Comment: In summary, the available evidence is currently insufficient to determine the role of this variant in disease. Therefore, it has been classified as a Variant of Uncertain Significance. Advanced modeling of protein sequence and biophysical properties (such as structural, functional, and spatial information, amino acid conservation, physicochemical variation, residue mobility, and thermodynamic stability) has been performed at Invitae for this missense variant, however the output from this modeling did not meet the statistical confidence thresholds required to predict the impact of this variant on SDHA protein function. ClinVar contains an entry for this variant (Variation ID: 1713286). This variant has not been reported in the literature in individuals affected with SDHA-related conditions. This variant is not present in population databases (gnomAD no frequency). This sequence change replaces glutamic acid, which is acidic and polar, with alanine, which is neutral and non-polar, at codon 440 of the SDHA protein (p.Glu440Ala).